The following is an entry in ClinVar:

NM_016653.3(MAP3K20):c.1064G>A (p.Gly355Asp)

Genes: MAP3K20 (mitogen-activated protein kinase kinase kinase 20; plus strand), MAP3K20-AS1 (MAP3K20 antisense RNA 1; minus strand). Cytogenetic location: 2q31.1.
Variant type: single nucleotide variant.
Coding change: c.1064G>A on transcript NM_016653.3 (MANE Select); coding-DNA position 1064, G replaced by A.
Protein change: p.Gly355Asp; replaces glycine 355 with aspartic acid.
Molecular consequence: missense variant.
Genome position (GRCh38, 1-based): chr2:173,232,320, G>A. VCF-style: chr2-173232320-G-A. GRCh37 (hg19) VCF-style: chr2-174097048-G-A.
Other names: short protein forms G355D.
Identifiers: ClinVar variation 1426483 (VCV001426483.3), dbSNP rs141093419, ClinGen allele CA1970737.
Genomic context (GRCh38, chr2:173,232,320, plus strand): 5'-AACTTTGTTTTGGATGTGATTTCATCTAATTTTATTCTGCTTTCTAATCACTTCCTTCAG[G>A]TGACTCTTCAGCAGAGATGAGTGTATATGCAAGCTTGTTTAAAGAAAACAACATTACAGG-3'
Protein context (NP_057737.2, residues 345-365): YCWVQQLVRK[Gly355Asp]DSSAEMSVYA

ClinVar aggregate classification (germline): Uncertain significance (1 of 4 stars; one submission).

Allele frequency attached by ClinVar (database versions not stated): gnomAD 0.00001 and 0.00002; gnomAD exomes 0.00002; TOPMed 0.00002; ExAC 0.00003; 1000 Genomes Project 30x 0.00016; 1000 Genomes Project 0.00020.
gnomAD v4.1: 23 of 1,614,156 alleles (0.0014%); highest among the groups gnomAD compares: Middle Eastern, 0.049%; no homozygotes.

Submission:

Labcorp Genetics (formerly Invitae), Labcorp
Classification: Uncertain significance. Last evaluated: 2021-08-27. Review status: criteria provided, single submitter. Criteria: Invitae Variant Classification Sherloc (09022015). Collection method: clinical testing. Allele origin: germline.
Comment: This sequence change replaces glycine with aspartic acid at codon 355 of the MAP3K20 protein (p.Gly355Asp). The glycine residue is highly conserved and there is a moderate physicochemical difference between glycine and aspartic acid. This variant is present in population databases (rs141093419, ExAC 0.006%). This variant has not been reported in the literature in individuals with MAP3K20-related conditions. Algorithms developed to predict the effect of missense changes on protein structure and function are either unavailable or do not agree on the potential impact of this missense change (SIFT: "Not Available"; PolyPhen-2: "Not Available"; Align-GVGD: "Not Available"). In summary, the available evidence is currently insufficient to determine the role of this variant in disease. Therefore, it has been classified as a Variant of Uncertain Significance.